The following is an entry in ClinVar:

ClinVar aggregate classification (germline): Uncertain significance. Review status: criteria provided, multiple submitters, no conflicts (2 of 4 stars). 4 submissions from 4 submitters: Uncertain significance (4). Last evaluated 2025-08-27.

Conditions:
ALPK3-related disorder. Also called: ALPK3-related condition.
Cardiovascular phenotype. Identifiers: MedGen CN230736.

Allele frequency attached by ClinVar (database versions not stated): gnomAD exomes below 0.00001; TOPMed 0.00001.
gnomAD v4.1: 3 of 1,612,730 alleles (0.00019%); highest among the groups gnomAD compares: East Asian, 0.0022%; no homozygotes.

Submissions (4):

PreventionGenetics, part of Exact Sciences
Classification: Uncertain significance for ALPK3-related condition. Last evaluated: 2025-08-27. Review status: criteria provided, single submitter. Criteria: ACMG Guidelines, 2015. Collection method: clinical testing. Allele origin: germline.
Comment: The ALPK3 c.4070C>T variant is predicted to result in the amino acid substitution p.Thr1357Ile. To our knowledge, this variant has not been reported in the literature. This variant is reported in 0.0029% of alleles in individuals of Latino descent in gnomAD. At this time, the clinical significance of this variant is uncertain due to the absence of conclusive functional and genetic evidence.

Labcorp Genetics (formerly Invitae), Labcorp
Classification: Uncertain significance. Last evaluated: 2023-12-04. Review status: criteria provided, single submitter. Criteria: Invitae Variant Classification Sherloc (09022015). Collection method: clinical testing. Allele origin: germline.
Comment: This sequence change replaces threonine, which is neutral and polar, with isoleucine, which is neutral and non-polar, at codon 1357 of the ALPK3 protein (p.Thr1357Ile). The frequency data for this variant in the population databases is considered unreliable, as metrics indicate poor data quality at this position in the gnomAD database. This variant has not been reported in the literature in individuals affected with ALPK3-related conditions. ClinVar contains an entry for this variant (Variation ID: 1737547). Advanced modeling of protein sequence and biophysical properties (such as structural, functional, and spatial information, amino acid conservation, physicochemical variation, residue mobility, and thermodynamic stability) performed at Invitae indicates that this missense variant is expected to disrupt ALPK3 protein function with a positive predictive value of 80%. In summary, the available evidence is currently insufficient to determine the role of this variant in disease. Therefore, it has been classified as a Variant of Uncertain Significance.

Women's Health and Genetics/Laboratory Corporation of America, LabCorp
Classification: Uncertain significance. Last evaluated: 2023-07-29. Review status: criteria provided, single submitter. Criteria: LabCorp Variant Classification Summary - May 2015. Collection method: clinical testing. Allele origin: germline.

Ambry Genetics
Classification: Uncertain significance for Cardiovascular phenotype. Last evaluated: 2022-04-05. Review status: criteria provided, single submitter. Criteria: Ambry Variant Classification Scheme 2023. Collection method: clinical testing. Allele origin: germline.
Comment: The p.T1357I variant (also known as c.4070C>T), located in coding exon 6 of the ALPK3 gene, results from a C to T substitution at nucleotide position 4070. The threonine at codon 1357 is replaced by isoleucine, an amino acid with similar properties. This amino acid position is well conserved in available vertebrate species. In addition, the in silico prediction for this alteration is inconclusive. Since supporting evidence is limited at this time, the clinical significance of this alteration remains unclear.

NM_020778.5(ALPK3):c.3464C>T (p.Thr1155Ile)

Gene: ALPK3 (alpha kinase 3; plus strand). Cytogenetic location: 15q25.3.
Variant type: single nucleotide variant.
Coding change: c.3464C>T on transcript NM_020778.5 (MANE Select); coding-DNA position 3464, C replaced by T.
Protein change: p.Thr1155Ile; replaces threonine 1155 with isoleucine.
Molecular consequence: missense variant.
Genome position (GRCh38, 1-based): chr15:84,858,202, C>T. VCF-style: chr15-84858202-C-T. GRCh37 (hg19) VCF-style: chr15-85401433-C-T.
Other names: short protein forms T1155I.
Identifiers: ClinVar variation 1737547 (VCV001737547.7), dbSNP rs1239685340, ClinGen allele CA393360322.